The following is an entry in ClinVar:

ClinVar aggregate classification (germline): Uncertain significance. Review status: criteria provided, single submitter (1 of 4 stars). 2 submissions from 2 submitters: Uncertain significance (1). 1 of the submissions does not count toward it. Last evaluated 2022-05-28.

Conditions:
Glycogen storage disease, type II (IOPD). Also called: Pompe Disease; Glycogen storage disease type 2; Acid maltase deficiency disease; Aglucosidase alfa; Deficiency of alpha-glucosidase; Deficiency of lysosomal alpha-glucosidase. Identifiers: Orphanet 365, MedGen C0017921, MONDO:0009290, OMIM 232300.

Allele frequency attached by ClinVar (database versions not stated): gnomAD exomes below 0.00001; TOPMed 0.00001.
gnomAD v4.1: 20 of 1,612,474 alleles (0.0012%); highest among the groups gnomAD compares: Non-Finnish European, 0.0015%; no homozygotes.

Submissions (2):

Labcorp Genetics (formerly Invitae), Labcorp
Classification: Uncertain significance for Glycogen storage disease, type II. Last evaluated: 2022-05-28. Review status: criteria provided, single submitter. Criteria: Invitae Variant Classification Sherloc (09022015). Collection method: clinical testing. Allele origin: germline.
Comment: This sequence change replaces cysteine, which is neutral and slightly polar, with arginine, which is basic and polar, at codon 82 of the GAA protein (p.Cys82Arg). This variant is present in population databases (no rsID available, gnomAD 0.0009%). This variant has not been reported in the literature in individuals affected with GAA-related conditions. ClinVar contains an entry for this variant (Variation ID: 938234). Advanced modeling of protein sequence and biophysical properties (such as structural, functional, and spatial information, amino acid conservation, physicochemical variation, residue mobility, and thermodynamic stability) performed at Invitae indicates that this missense variant is expected to disrupt GAA protein function. In summary, the available evidence is currently insufficient to determine the role of this variant in disease. Therefore, it has been classified as a Variant of Uncertain Significance.

Natera, Inc.
Classification: Uncertain significance for Glycogen storage disease type II. Last evaluated: 2021-03-03. Review status: no assertion criteria provided. Collection method: clinical testing. Allele origin: germline. Not counted in ClinVar's aggregate classification.

NM_000152.5(GAA):c.244T>C (p.Cys82Arg)

Gene: GAA (alpha glucosidase; plus strand). Cytogenetic location: 17q25.3.
Variant type: single nucleotide variant.
Coding change: c.244T>C on transcript NM_000152.5 (MANE Select); coding-DNA position 244, T replaced by C.
Protein change: p.Cys82Arg; replaces cysteine 82 with arginine.
Molecular consequence: missense variant.
Genome position (GRCh38, 1-based): chr17:80,104,830, T>C. VCF-style: chr17-80104830-T-C. GRCh37 (hg19) VCF-style: chr17-78078629-T-C.
Other names: c.244T>C, p.Cys82Arg (NM_001079803.3, NM_001079804.3); short protein forms C82R.
Identifiers: ClinVar variation 938234 (VCV000938234.11), dbSNP rs1252748852, ClinGen allele CA401360526.